The following is an entry in ClinVar:

ClinVar aggregate classification (germline): Uncertain significance (1 of 4 stars; one submission).

Conditions:
Peroxisome biogenesis disorder 3A (Zellweger). Also called: PEROXISOMAL BIOGENESIS DISORDER 3A (ZELLWEGER); Peroxisome biogenesis disorder 3A. Identifiers: Orphanet 912, MedGen C3553929, MONDO:0013927, OMIM 614859.

Submission:

Labcorp Genetics (formerly Invitae), Labcorp
Classification: Uncertain significance for Peroxisome biogenesis disorder 3A (Zellweger). Last evaluated: 2022-07-11. Review status: criteria provided, single submitter. Criteria: Invitae Variant Classification Sherloc (09022015). Collection method: clinical testing. Allele origin: germline.
Comment: This sequence change replaces valine, which is neutral and non-polar, with isoleucine, which is neutral and non-polar, at codon 243 of the PEX12 protein (p.Val243Ile). This variant is not present in population databases (gnomAD no frequency). This variant has not been reported in the literature in individuals affected with PEX12-related conditions. Algorithms developed to predict the effect of missense changes on protein structure and function output the following: SIFT: "Tolerated"; PolyPhen-2: "Benign"; Align-GVGD: "Class C0". The isoleucine amino acid residue is found in multiple mammalian species, which suggests that this missense change does not adversely affect protein function. In summary, the available evidence is currently insufficient to determine the role of this variant in disease. Therefore, it has been classified as a Variant of Uncertain Significance.

NM_000286.3(PEX12):c.727G>A (p.Val243Ile)

Gene: PEX12 (peroxisomal biogenesis factor 12; minus strand). Cytogenetic location: 17q12.
Variant type: single nucleotide variant.
Coding change: c.727G>A on transcript NM_000286.3 (MANE Select); coding-DNA position 727, G replaced by A.
Protein change: p.Val243Ile; replaces valine 243 with isoleucine.
Molecular consequence: missense variant.
Genome position (GRCh38, 1-based): chr17:35,576,135, C>T on the plus strand (G>A on the coding strand, the complement: PEX12 is on the minus strand). VCF-style: chr17-35576135-C-T. GRCh37 (hg19) VCF-style: chr17-33903154-C-T.
Other names: short protein forms V243I.
Identifiers: ClinVar variation 2080736 (VCV002080736.4), dbSNP rs2509168338, ClinGen allele CA399137506.